The following is an entry in ClinVar:

NM_002439.5(MSH3):c.2639A>G (p.Asn880Ser)

Gene: MSH3 (mutS homolog 3; plus strand). Cytogenetic location: 5q14.1.
Variant type: single nucleotide variant.
Coding change: c.2639A>G on transcript NM_002439.5 (MANE Select); coding-DNA position 2639, A replaced by G.
Protein change: p.Asn880Ser; replaces asparagine 880 with serine.
Molecular consequence: missense variant.
Genome position (GRCh38, 1-based): chr5:80,792,828, A>G. VCF-style: chr5-80792828-A-G. GRCh37 (hg19) VCF-style: chr5-80088647-A-G.
Other names: c.2639A>G (NM_002439.3); short protein forms N880S.
Identifiers: ClinVar variation 844603 (VCV000844603.10), dbSNP rs1744631817, ClinGen allele CA360273035.

ClinVar aggregate classification (germline): Uncertain significance. Review status: criteria provided, multiple submitters, no conflicts (2 of 4 stars). 2 submissions from 2 submitters: Uncertain significance (2). Last evaluated 2026-03-31.

Conditions:
Hereditary cancer-predisposing syndrome. Also called: Tumor predisposition; Neoplastic Syndromes, Hereditary; Hereditary neoplastic syndrome; Hereditary Cancer Syndrome. Identifiers: Orphanet 140162, MedGen C0027672, MeSH D009386, MONDO:0015356.

Submissions (2):

Ambry Genetics
Classification: Uncertain significance for Hereditary cancer-predisposing syndrome. Last evaluated: 2026-03-31. Review status: criteria provided, single submitter. Criteria: Ambry Variant Classification Scheme 2023. Collection method: clinical testing. Allele origin: germline.
Comment: The p.N880S variant (also known as c.2639A>G), located in coding exon 19 of the MSH3 gene, results from an A to G substitution at nucleotide position 2639. The asparagine at codon 880 is replaced by serine, an amino acid with highly similar properties. This amino acid position is conserved. In addition, the in silico prediction for this alteration is inconclusive. Based on the available evidence, the clinical significance of this variant remains unclear.

Labcorp Genetics (formerly Invitae), Labcorp
Classification: Uncertain significance. Last evaluated: 2021-05-31. Review status: criteria provided, single submitter. Criteria: Invitae Variant Classification Sherloc (09022015). Collection method: clinical testing. Allele origin: germline.
Comment: In summary, the available evidence is currently insufficient to determine the role of this variant in disease. Therefore, it has been classified as a Variant of Uncertain Significance. Algorithms developed to predict the effect of sequence changes on RNA splicing suggest that this variant may create or strengthen a splice site, but this prediction has not been confirmed by published transcriptional studies. Algorithms developed to predict the effect of missense changes on protein structure and function are either unavailable or do not agree on the potential impact of this missense change (SIFT: "Deleterious"; PolyPhen-2: "Probably Damaging"; Align-GVGD: "Class C0"). This variant has not been reported in the literature in individuals with MSH3-related conditions. This variant is not present in population databases (ExAC no frequency). This sequence change replaces asparagine with serine at codon 880 of the MSH3 protein (p.Asn880Ser). The asparagine residue is moderately conserved and there is a small physicochemical difference between asparagine and serine.